The following is an entry in ClinVar:

NM_004946.3(DOCK2):c.5396C>G (p.Thr1799Arg)

Gene: DOCK2 (dedicator of cytokinesis 2; plus strand). Cytogenetic location: 5q35.1.
Variant type: single nucleotide variant.
Coding change: c.5396C>G on transcript NM_004946.3 (MANE Select); coding-DNA position 5396, C replaced by G.
Protein change: p.Thr1799Arg; replaces threonine 1799 with arginine.
Molecular consequence: missense variant. On other transcripts: non-coding transcript variant (1).
Genome position (GRCh38, 1-based): chr5:170,081,950, C>G. VCF-style: chr5-170081950-C-G. GRCh37 (hg19) VCF-style: chr5-169508954-C-G.
Other names: short protein forms T1799R.
Identifiers: ClinVar variation 1988088 (VCV001988088.4), dbSNP rs2532523063, ClinGen allele CA362119412.

ClinVar aggregate classification (germline): Uncertain significance (1 of 4 stars; one submission).

Conditions:
DOCK2 deficiency. Also called: Immunodeficiency 40. Identifiers: Orphanet 447737, MedGen C4225328, MONDO:0014637, OMIM 616433.

gnomAD v4.1: 1 of 1,614,126 alleles (0.000062%); highest among the groups gnomAD compares: Admixed American, 0.0017%; no homozygotes.

Submission:

Labcorp Genetics (formerly Invitae), Labcorp
Classification: Uncertain significance for DOCK2 deficiency. Last evaluated: 2022-06-24. Review status: criteria provided, single submitter. Criteria: Invitae Variant Classification Sherloc (09022015). Collection method: clinical testing. Allele origin: germline.
Comment: In summary, the available evidence is currently insufficient to determine the role of this variant in disease. Therefore, it has been classified as a Variant of Uncertain Significance. Algorithms developed to predict the effect of missense changes on protein structure and function (SIFT, PolyPhen-2, Align-GVGD) all suggest that this variant is likely to be tolerated. This variant has not been reported in the literature in individuals affected with DOCK2-related conditions. This variant is not present in population databases (gnomAD no frequency). This sequence change replaces threonine, which is neutral and polar, with arginine, which is basic and polar, at codon 1799 of the DOCK2 protein (p.Thr1799Arg).